The following is an entry in ClinVar:

NM_004341.5(CAD):c.6320_6378+11del

Genes: CAD (carbamoyl-phosphate synthetase 2, aspartate transcarbamylase, and dihydroorotase; plus strand), LOC126806172 (CDK7 strongly-dependent group 2 enhancer GRCh37_chr2:27465505-27466704; plus strand). Cytogenetic location: 2p23.3.
Variant type: Deletion.
Coding change: c.6320_6378+11del on transcript NM_004341.5 (MANE Select); coding-DNA position 6320 through 11 bases into the intron after coding-DNA position 6378, 70 bases deleted.
Molecular consequence: splice donor variant.
Genome position (GRCh38, 1-based): chr2:27,242,717-27,242,786, 70 bases deleted. GRCh37 (hg19): chr2:27,465,585-27,465,654.
Other names: c.6131_6189+11del (NM_001306079.2).
Identifiers: ClinVar variation 2696473 (VCV002696473.3), dbSNP rs2465370364, ClinGen allele CA2697547923.

ClinVar aggregate classification (germline): Likely pathogenic (1 of 4 stars; one submission).

Submission:

Labcorp Genetics (formerly Invitae), Labcorp
Classification: Likely pathogenic. Last evaluated: 2023-11-17. Review status: criteria provided, single submitter. Criteria: Invitae Variant Classification Sherloc (09022015). Collection method: clinical testing. Allele origin: germline.
Comment: This variant results in the deletion of part of exon 41 (c.6320_6378+11del) of the CAD gene. It is expected to disrupt RNA splicing. Variants that disrupt the donor or acceptor splice site typically lead to a loss of protein function (PMID: 16199547), and loss-of-function variants in CAD are known to be pathogenic (PMID: 28007989, 32117025, 32820246, 33497533). This variant is not present in population databases (gnomAD no frequency). This variant has not been reported in the literature in individuals affected with CAD-related conditions. In summary, the currently available evidence indicates that the variant is pathogenic, but additional data are needed to prove that conclusively. Therefore, this variant has been classified as Likely Pathogenic.

Literature cited by the submitters: PubMed 16199547; PubMed 28007989; PubMed 32117025; PubMed 32820246; PubMed 33497533.